The following is an entry in ClinVar:

NM_000059.4(BRCA2):c.6238T>G (p.Leu2080Val)

Gene: BRCA2 (BRCA2 DNA repair associated; plus strand). Cytogenetic location: 13q13.1.
Variant type: single nucleotide variant.
Coding change: c.6238T>G on transcript NM_000059.4 (MANE Select); coding-DNA position 6238, T replaced by G.
Protein change: p.Leu2080Val; replaces leucine 2080 with valine.
Molecular consequence: missense variant.
Genome position (GRCh38, 1-based): chr13:32,340,593, T>G. VCF-style: chr13-32340593-T-G. GRCh37 (hg19) VCF-style: chr13-32914730-T-G.
Other names: short protein forms L2080V.
Identifiers: ClinVar variation 231163 (VCV000231163.15), dbSNP rs876658993, ClinGen allele CA10579685.

ClinVar aggregate classification (germline): Conflicting classifications of pathogenicity. Review status: criteria provided, conflicting classifications (1 of 4 stars). 5 submissions from 5 submitters: Uncertain significance (4); Likely benign (1). Last evaluated 2025-09-13.

Conditions:
Hereditary cancer-predisposing syndrome. Also called: Neoplastic Syndromes, Hereditary; Tumor predisposition; Hereditary Cancer Syndrome; Hereditary neoplastic syndrome. Identifiers: Orphanet 140162, MedGen C0027672, MeSH D009386, MONDO:0015356.
Hereditary breast ovarian cancer syndrome. Also called: BRCA1- and BRCA2-Associated Hereditary Breast and Ovarian Cancer; Hereditary breast and ovarian cancer syndrome; Hereditary breast and ovarian cancer; Hereditary breast and ovarian cancer syndrome (HBOC); Breast and ovarian cancer; Hereditary breast and/or ovarian cancer syndrome. Identifiers: Orphanet 145, MedGen C0677776, MeSH D061325, MONDO:0003582. Disease mechanism: loss of function.

Allele frequency attached by ClinVar (database versions not stated): gnomAD exomes below 0.00001; TOPMed 0.00001.
gnomAD v4.1: 1 of 1,608,566 alleles (0.000062%); highest among the groups gnomAD compares: African/African-American, 0.0013%; no homozygotes.

Submissions (5):

Labcorp Genetics (formerly Invitae), Labcorp
Classification: Uncertain significance for Hereditary breast ovarian cancer syndrome. Last evaluated: 2025-09-13. Review status: criteria provided, single submitter. Criteria: Invitae Variant Classification Sherloc (09022015). Collection method: clinical testing. Allele origin: germline.
Comment: This sequence change replaces leucine, which is neutral and non-polar, with valine, which is neutral and non-polar, at codon 2080 of the BRCA2 protein (p.Leu2080Val). This variant is not present in population databases (gnomAD no frequency). This variant has not been reported in the literature in individuals affected with BRCA2-related conditions. ClinVar contains an entry for this variant (Variation ID: 231163). Invitae Evidence Modeling of protein sequence and biophysical properties (such as structural, functional, and spatial information, amino acid conservation, physicochemical variation, residue mobility, and thermodynamic stability) indicates that this missense variant is not expected to disrupt BRCA2 protein function with a negative predictive value of 95%. In summary, the available evidence is currently insufficient to determine the role of this variant in disease. Therefore, it has been classified as a Variant of Uncertain Significance.

Ambry Genetics
Classification: Uncertain significance for Hereditary cancer-predisposing syndrome. Last evaluated: 2023-06-05. Review status: criteria provided, single submitter. Criteria: Ambry Variant Classification Scheme 2023. Collection method: clinical testing. Allele origin: germline.
Comment: The p.L2080V variant (also known as c.6238T>G), located in coding exon 10 of the BRCA2 gene, results from a T to G substitution at nucleotide position 6238. The leucine at codon 2080 is replaced by valine, an amino acid with highly similar properties. This amino acid position is not well conserved in available vertebrate species. In addition, the in silico prediction for this alteration is inconclusive. Since supporting evidence is limited at this time, the clinical significance of this alteration remains unclear.

University of Washington Department of Laboratory Medicine, University of Washington
Classification: Likely benign for Hereditary cancer-predisposing syndrome. Last evaluated: 2023-03-23. Review status: criteria provided, single submitter. Criteria: Dines et al. (Genet Med. 2020). Collection method: curation. Allele origin: germline.
Comment: Missense variant in a coldspot region where missense variants are very unlikely to be pathogenic (PMID:31911673).

BRCA2 exon 11 coldspot. Reclassification based on statistical prior probability.

Women's Health and Genetics/Laboratory Corporation of America, LabCorp
Classification: Uncertain significance. Last evaluated: 2022-07-23. Review status: criteria provided, single submitter. Criteria: LabCorp Variant Classification Summary - May 2015. Collection method: clinical testing. Allele origin: germline.

GeneDx
Classification: Uncertain significance. Last evaluated: 2020-07-28. Review status: criteria provided, single submitter. Criteria: GeneDx Variant Classification Process June 2021. Collection method: clinical testing. Allele origin: germline. Affected: yes.
Comment: Not observed in large population cohorts (Lek 2016); In silico analysis supports that this missense variant does not alter protein structure/function; Has not been previously published as pathogenic or benign to our knowledge; Also known as 6466T>G